The following is an entry in ClinVar:

NM_001365951.3(KIF1B):c.4471G>A (p.Glu1491Lys)

Gene: KIF1B (kinesin family member 1B; plus strand). Cytogenetic location: 1p36.22.
Variant type: single nucleotide variant.
Coding change: c.4471G>A on transcript NM_001365951.3 (MANE Select); coding-DNA position 4471, G replaced by A.
Protein change: p.Glu1491Lys; replaces glutamic acid 1491 with lysine.
Molecular consequence: missense variant.
Genome position (GRCh38, 1-based): chr1:10,365,204, G>A. VCF-style: chr1-10365204-G-A. GRCh37 (hg19) VCF-style: chr1-10425262-G-A.
Other names: c.4471G>A, p.Glu1491Lys (NM_001365952.1); c.4333G>A, p.Glu1445Lys (NM_015074.3); short protein forms E1445K, E1491K.
Identifiers: ClinVar variation 2563653 (VCV002563653.2), dbSNP rs2521911885, ClinGen allele CA338320934.
Genomic context (GRCh38, chr1:10,365,204, plus strand): 5'-TATGTGCGGGGAGAAGAGAACTTAGCAGGCTGGCGGCCCCGTGGAGACAGCCTCATCCTT[G>A]AGCACCAGTGGGAGCTGGAGAAGCTGGAGCTCCTACATGAGGTATCCAGGGGCAGGGTTG-3'
Protein context (NP_001352880.1, residues 1481-1501): WRPRGDSLIL[Glu1491Lys]HQWELEKLEL

ClinVar aggregate classification (germline): Uncertain significance (1 of 4 stars; one submission).

Allele frequency attached by ClinVar (database versions not stated): gnomAD exomes below 0.00001.
gnomAD v4.1: 1 of 1,614,038 alleles (0.000062%); highest among the groups gnomAD compares: Non-Finnish European, 0.000085%; no homozygotes.

Submission:

Ambry Genetics
Classification: Uncertain significance. Last evaluated: 2023-06-01. Review status: criteria provided, single submitter. Criteria: Ambry Variant Classification Scheme 2023. Collection method: clinical testing. Allele origin: germline.
Comment: The p.E1445K variant (also known as c.4333G>A), located in coding exon 39 of the KIF1B gene, results from a G to A substitution at nucleotide position 4333. The glutamic acid at codon 1445 is replaced by lysine, an amino acid with similar properties. This amino acid position is conserved. In addition, the in silico prediction for this alteration is inconclusive. Since supporting evidence is limited at this time, the clinical significance of this alteration remains unclear.